The following is an entry in ClinVar:

ClinVar aggregate classification (germline): Uncertain significance (1 of 4 stars; one submission).

Conditions:
Congenital hyperammonemia, type I. Also called: Carbamoyl phosphate synthetase I deficiency disease; Carbamoyl phosphate synthetase 1 deficiency; Hyperammonemia due to carbamoyl phosphate synthetase 1 deficiency; CPS 1 deficiency; Carbamyl phosphate synthetase (CPS) deficiency; CPS I DEFICIENCY. Identifiers: Orphanet 147, MedGen C4082171, MONDO:0009376, OMIM 237300.

gnomAD v4.1: 1 of 1,613,198 alleles (0.000062%); no homozygotes.

Submission:

Labcorp Genetics (formerly Invitae), Labcorp
Classification: Uncertain significance for Congenital hyperammonemia, type I. Last evaluated: 2022-02-02. Review status: criteria provided, single submitter. Criteria: Invitae Variant Classification Sherloc (09022015). Collection method: clinical testing. Allele origin: germline.
Comment: In summary, the available evidence is currently insufficient to determine the role of this variant in disease. Therefore, it has been classified as a Variant of Uncertain Significance. Studies have shown that disruption of this splice site results in skipping of exon 35, but is expected to preserve the integrity of the reading-frame (PMID: 32154057). Disruption of this splice site has been observed in individual(s) with clinical features of carbamoyl phosphate synthetase I deficiency (PMID: 32154057, 33309754). This variant is not present in population databases (gnomAD no frequency). This sequence change affects an acceptor splice site in intron 34 of the CPS1 gene. RNA analysis indicates that disruption of this splice site induces altered splicing and likely results in a shortened protein product.

Literature cited by the submitters: PubMed 32154057; PubMed 33309754.

NM_001875.5(CPS1):c.4102-1G>C

Gene: CPS1 (carbamoyl-phosphate synthase 1; plus strand). Cytogenetic location: 2q34.
Variant type: single nucleotide variant.
Coding change: c.4102-1G>C on transcript NM_001875.5 (MANE Select); the canonical splice acceptor site of the intron before coding-DNA position 4102, G replaced by C.
Molecular consequence: splice acceptor variant.
Genome position (GRCh38, 1-based): chr2:210,674,901, G>C. VCF-style: chr2-210674901-G-C. GRCh37 (hg19) VCF-style: chr2-211539625-G-C.
Other names: c.4102-1G>C (NM_001369257.1, NM_001122633.3); c.4135-1G>C (NM_001369256.1).
Identifiers: ClinVar variation 2091847 (VCV002091847.4), dbSNP rs2469378496, ClinGen allele CA350440091.